The following is an entry in ClinVar:

ClinVar aggregate classification (germline): Pathogenic (1 of 4 stars; one submission).

Submission:

Labcorp Genetics (formerly Invitae), Labcorp
Classification: Pathogenic. Last evaluated: 2023-11-21. Review status: criteria provided, single submitter. Criteria: Invitae Variant Classification Sherloc (09022015). Collection method: clinical testing. Allele origin: germline.
Comment: This sequence change creates a premature translational stop signal (p.Leu1649Profs*20) in the PCNT gene. It is expected to result in an absent or disrupted protein product. Loss-of-function variants in PCNT are known to be pathogenic (PMID: 18174396, 22821869). This variant is not present in population databases (gnomAD no frequency). This variant has not been reported in the literature in individuals affected with PCNT-related conditions. For these reasons, this variant has been classified as Pathogenic.

Literature cited by the submitters: PubMed 18174396; PubMed 22821869.

NM_006031.6(PCNT):c.4945dup (p.Leu1649fs)

Gene: PCNT (pericentrin; plus strand). Cytogenetic location: 21q22.3.
Variant type: Duplication.
Coding change: c.4945dup on transcript NM_006031.6 (MANE Select); coding-DNA position 4945, one base duplicated (C; older notation c.4945dupC).
Protein change: p.Leu1649fs; shifts the reading frame from leucine 1649.
Molecular consequence: frameshift variant.
Genome position (GRCh38, 1-based): chr21:46,401,704, C duplicated; the last of 2 consecutive C bases (chr21:46,401,703-46,401,704); duplicating either gives the same sequence. VCF-style (leftmost placement, unchanged base first): chr21-46401702-T-TC. GRCh37 (hg19) VCF-style: chr21-47821616-T-TC.
Other names: c.4591dup, p.Leu1531fs (NM_001315529.2); short protein forms L1531fs, L1649fs.
Identifiers: ClinVar variation 2712959 (VCV002712959.3), dbSNP rs2518665114, ClinGen allele CA2655023355.